The following is an entry in ClinVar:

NM_004415.4(DSP):c.6058G>A (p.Gly2020Arg)

Gene: DSP (desmoplakin; plus strand). Cytogenetic location: 6p24.3.
Variant type: single nucleotide variant.
Coding change: c.6058G>A on transcript NM_004415.4 (MANE Select); coding-DNA position 6058, G replaced by A.
Protein change: p.Gly2020Arg; replaces glycine 2020 with arginine.
Molecular consequence: missense variant.
Genome position (GRCh38, 1-based): chr6:7,583,320, G>A. VCF-style: chr6-7583320-G-A. GRCh37 (hg19) VCF-style: chr6-7583553-G-A.
Other names: c.4261G>A, p.Gly1421Arg (NM_001008844.3); c.4729G>A, p.Gly1577Arg (NM_001319034.2); short protein forms G1421R, G1577R, G2020R.
Identifiers: ClinVar variation 3376735 (VCV003376735.1).
Genomic context (GRCh38, chr6:7,583,320, plus strand): 5'-TCAGTGGAAGAAGTTGCTTCTGAAATCCAGCCATTCCTTCGGGGTGCAGGATCTATCGCT[G>A]GAGCATCTGCTTCTCCTAAGGAAAAATACTCTTTGGTAGAGGCCAAGAGAAAGAAATTAA-3'
Protein context (NP_004406.2, residues 2010-2030): PFLRGAGSIA[Gly2020Arg]ASASPKEKYS

ClinVar aggregate classification (germline): Uncertain significance (1 of 4 stars; one submission).

Conditions:
Arrhythmogenic cardiomyopathy with wooly hair and keratoderma. Also called: PALMOPLANTAR KERATODERMA WITH LEFT VENTRICULAR CARDIOMYOPATHY AND WOOLLY HAIR; Carvajal syndrome; Dilated cardiomyopathy with woolly hair and keratoderma; Arrhythmogenic cardiomyopathy with woolly hair and keratoderma. Identifiers: Orphanet 65282, MedGen C1854063, MONDO:0011581, OMIM 605676.

Submission:

Victorian Clinical Genetics Services, Murdoch Childrens Research Institute
Classification: Uncertain significance for Arrhythmogenic cardiomyopathy with wooly hair and keratoderma. Last evaluated: 2023-07-17. Review status: criteria provided, single submitter. Criteria: ACMG Guidelines, 2015. Collection method: clinical testing. Allele origin: germline. Inheritance: Autosomal recessive inheritance. Affected: yes.
Comment: Based on the classification scheme VCGS_Germline_v1.3.4, this variant is classified as VUS-3A. Following criteria are met: 0102 - Loss of function is a known mechanism of disease in this gene and is associated with dilated cardiomyopathy with or without woolly hair and keratoderma (MIM#605676) and other DSP-related cardiac disorders. (I) 0108 - This gene is associated with both recessive and dominant disease. Variants in this gene are usually inherited in a dominant manner, however rare reports of recessive inheritance have resulted in a more severe cardiac phenotype (OMIM). (I) 0115 - Variants in this gene are known to have variable expressivity. Age-dependent penetrance and variable expressivity are well-described aspects of arrhythmogenic cardiomyopathy (PMID: 29062697). (I) 0200 - Variant is predicted to result in a missense amino acid change from glycine to arginine. (I) 0252 - This variant is homozygous. (I) 0301 - Variant is absent from gnomAD (both v2 and v3). (SP) 0309 - An alternative amino acid change at the same position has been observed in gnomAD (v2 and v3: 4 heterozygotes, 0 homozygotes). (I) 0501 - Missense variant consistently predicted to be damaging by multiple in silico tools or highly conserved with a major amino acid change. (SP) 0604 - Variant is not located in an established domain, motif, hotspot or informative constraint region. (I) 0710 - Another missense variants comparable to the one identified in this case has inconclusive previous evidence for pathogenicity. p.(Gly2020Ala) has been reported as a VUS by multiple clinical testing laboratories. This includes in three individuals with DCM, unknown arrhythmia or unknown cardiomyopathy, two of whom also has a pathogenic PLN variant (ClinVar and PMIDs: 30847666, 32880476). (I) 0807 - This variant has no previous evidence of pathogenicity. (I) 0905 - No published segregation evidence has been identified for this variant. (I) 1007 - No published functional evidence has been identified for this variant. (I) Legend: (SP) - Supporting pathogenic, (I) - Information, (SB) - Supporting benign

Literature cited by the submitters: PubMed 29062697; PubMed 30847666; PubMed 32880476.